The following is an entry in ClinVar:

NM_000256.3(MYBPC3):c.2511C>G (p.Ile837Met)

Gene: MYBPC3 (myosin binding protein C3; minus strand). Cytogenetic location: 11p11.2.
Variant type: single nucleotide variant.
Coding change: c.2511C>G on transcript NM_000256.3 (MANE Select); coding-DNA position 2511, C replaced by G.
Protein change: p.Ile837Met; replaces isoleucine 837 with methionine.
Molecular consequence: missense variant.
Genome position (GRCh38, 1-based): chr11:47,337,482, G>C on the plus strand (C>G on the coding strand, the complement: MYBPC3 is on the minus strand). VCF-style: chr11-47337482-G-C. GRCh37 (hg19) VCF-style: chr11-47359033-G-C.
Other names: short protein forms I837M.
Identifiers: ClinVar variation 1792404 (VCV001792404.2), dbSNP rs542181308, ClinGen allele CA380318216.

ClinVar aggregate classification (germline): Uncertain significance (1 of 4 stars; one submission).

Conditions:
Cardiovascular phenotype. Identifiers: MedGen CN230736.

gnomAD v4.1: 1 of 1,613,938 alleles (0.000062%); highest among the groups gnomAD compares: Non-Finnish European, 0.000085%; no homozygotes.

Submission:

Ambry Genetics
Classification: Uncertain significance for Cardiovascular phenotype. Last evaluated: 2021-06-12. Review status: criteria provided, single submitter. Criteria: Ambry Variant Classification Scheme 2023. Collection method: clinical testing. Allele origin: germline.
Comment: The p.I837M variant (also known as c.2511C>G), located in coding exon 25 of the MYBPC3 gene, results from a C to G substitution at nucleotide position 2511. The isoleucine at codon 837 is replaced by methionine, an amino acid with highly similar properties. This amino acid position is conserved. In addition, the in silico prediction for this alteration is inconclusive. Since supporting evidence is limited at this time, the clinical significance of this alteration remains unclear.